The following is an entry in ClinVar:

NM_001378457.1(DMXL2):c.3423C>T (p.Val1141=)

Gene: DMXL2 (Dmx like 2; minus strand). Cytogenetic location: 15q21.2.
Variant type: single nucleotide variant.
Coding change: c.3423C>T on transcript NM_001378457.1 (MANE Select); coding-DNA position 3423, C replaced by T.
Protein change: p.Val1141=; no amino-acid change (valine 1141 retained).
Molecular consequence: synonymous variant. On other transcripts: non-coding transcript variant (2), intron variant (2).
Genome position (GRCh38, 1-based): chr15:51,499,801, G>A on the plus strand (C>T on the coding strand, the complement: DMXL2 is on the minus strand). VCF-style: chr15-51499801-G-A. GRCh37 (hg19) VCF-style: chr15-51791998-G-A.
Other names: c.3423C>T (NM_001174116.1); c.3423C>T, p.Val1141= (NM_001174116.3, NM_001378458.1, NM_001378459.1 and 4 more transcripts); c.3183C>T, p.Val1061= (NM_001378464.1); c.2764+7333C>T (NM_001378460.1); c.2765-4667C>T (NM_001174117.3).
Identifiers: ClinVar variation 2197669 (VCV002197669.30), dbSNP rs866293084, ClinGen allele CA270574594.

ClinVar aggregate classification (germline): Likely benign. Review status: criteria provided, multiple submitters, no conflicts (2 of 4 stars). 4 submissions from 4 submitters: Likely benign (3). 1 of the submissions does not count toward it. Last evaluated 2026-01-13.

Conditions:
DMXL2-related disorder. Also called: DMXL2-related condition.

Allele frequency attached by ClinVar (database versions not stated): gnomAD 0.00001; gnomAD exomes 0.00002; TOPMed 0.00002.
gnomAD v4.1: 27 of 1,613,924 alleles (0.0017%); highest among the groups gnomAD compares: Middle Eastern, 0.3%; 1 homozygote.

Submissions (4):

Labcorp Genetics (formerly Invitae), Labcorp
Classification: Likely benign. Last evaluated: 2026-01-13. Review status: criteria provided, single submitter. Criteria: Invitae Variant Classification Sherloc (09022015). Collection method: clinical testing. Allele origin: germline.

Blueprint Genetics
Classification: Likely benign. Last evaluated: 2024-01-29. Review status: criteria provided, single submitter. Criteria: ACMG Guidelines, 2015. Collection method: clinical testing. Allele origin: germline.

CeGaT Center for Human Genetics Tuebingen
Classification: Likely benign. Last evaluated: 2022-09-01. Review status: criteria provided, single submitter. Criteria: CeGaT Center For Human Genetics Tuebingen Variant Classification Criteria Version 2. Collection method: clinical testing. Allele origin: germline. Affected: yes. Observed: 1 variant allele.
Comment: DMXL2: BP4, BP7

PreventionGenetics, part of Exact Sciences
Classification: Likely benign for DMXL2-related condition. Last evaluated: 2019-02-28. Review status: no assertion criteria provided. Collection method: clinical testing. Allele origin: germline. Not counted in ClinVar's aggregate classification.
Comment: This variant is classified as likely benign based on ACMG/AMP sequence variant interpretation guidelines (Richards et al. 2015 PMID: 25741868, with internal and published modifications).